The following is an entry in ClinVar:

ClinVar aggregate classification (germline): Uncertain significance (1 of 4 stars; one submission).

gnomAD v4.1: 22 of 1,612,544 alleles (0.0014%); highest among the groups gnomAD compares: Non-Finnish European, 0.0014%; no homozygotes.

Submission:

GeneDx
Classification: Uncertain significance. Last evaluated: 2025-10-11. Review status: criteria provided, single submitter. Criteria: GeneDx Variant Classification Process June 2021. Collection method: clinical testing. Allele origin: germline.
Comment: In silico analysis supports that this missense variant has a deleterious effect on protein structure/function; Has not been previously published as pathogenic or benign to our knowledge

NM_002662.5(PLD1):c.2968A>G (p.Thr990Ala)

Gene: PLD1 (phospholipase D1; minus strand). Cytogenetic location: 3q26.31.
Variant type: single nucleotide variant.
Coding change: c.2968A>G on transcript NM_002662.5 (MANE Select); coding-DNA position 2968, A replaced by G.
Protein change: p.Thr990Ala; replaces threonine 990 with alanine.
Molecular consequence: missense variant.
Genome position (GRCh38, 1-based): chr3:171,605,331, T>C on the plus strand (A>G on the coding strand, the complement: PLD1 is on the minus strand). VCF-style: chr3-171605331-T-C. GRCh37 (hg19) VCF-style: chr3-171323121-T-C.
Other names: c.2854A>G, p.Thr952Ala (NM_001130081.3); short protein forms T952A, T990A.
Identifiers: ClinVar variation 3392589 (VCV003392589.2).